The following is an entry in ClinVar:

NM_033109.5(PNPT1):c.1297G>A (p.Ala433Thr)

Gene: PNPT1 (polyribonucleotide nucleotidyltransferase 1; minus strand). Cytogenetic location: 2p16.1.
Variant type: single nucleotide variant.
Coding change: c.1297G>A on transcript NM_033109.5 (MANE Select); coding-DNA position 1297, G replaced by A.
Protein change: p.Ala433Thr; replaces alanine 433 with threonine.
Molecular consequence: missense variant.
Genome position (GRCh38, 1-based): chr2:55,656,359, C>T on the plus strand (G>A on the coding strand, the complement: PNPT1 is on the minus strand). VCF-style: chr2-55656359-C-T. GRCh37 (hg19) VCF-style: chr2-55883494-C-T.
Other names: short protein forms A433T.
Identifiers: ClinVar variation 2650948 (VCV002650948.24), dbSNP rs1696386376, ClinGen allele CA346927502.

ClinVar aggregate classification (germline): Uncertain significance (1 of 4 stars; one submission).

Allele frequency attached by ClinVar (database versions not stated): TOPMed below 0.00001.

Submission:

CeGaT Center for Human Genetics Tuebingen
Classification: Uncertain significance. Last evaluated: 2023-08-01. Review status: criteria provided, single submitter. Criteria: CeGaT Center For Human Genetics Tuebingen Variant Classification Criteria Version 2. Collection method: clinical testing. Allele origin: germline. Affected: yes. Observed: 1 variant allele.
Comment: PNPT1: PM2